The following is an entry in ClinVar:

ClinVar aggregate classification (germline): Uncertain significance. Review status: criteria provided, multiple submitters, no conflicts (2 of 4 stars). 2 submissions from 2 submitters: Uncertain significance (2). Last evaluated 2026-01-02.

gnomAD v4.1: 17 of 1,613,826 alleles (0.0011%); highest among the groups gnomAD compares: Non-Finnish European, 0.0014%; no homozygotes.

Submissions (2):

Labcorp Genetics (formerly Invitae), Labcorp
Classification: Uncertain significance. Last evaluated: 2026-01-02. Review status: criteria provided, single submitter. Criteria: Invitae Variant Classification Sherloc (09022015). Collection method: clinical testing. Allele origin: germline.
Comment: This sequence change replaces arginine, which is basic and polar, with glutamine, which is neutral and polar, at codon 124 of the ICK protein (p.Arg124Gln). The frequency data for this variant in the population databases is considered unreliable, as metrics indicate poor data quality at this position in the gnomAD database. This variant has not been reported in the literature in individuals affected with ICK-related conditions. ClinVar contains an entry for this variant (Variation ID: 4228950). Invitae Evidence Modeling of protein sequence and biophysical properties (such as structural, functional, and spatial information, amino acid conservation, physicochemical variation, residue mobility, and thermodynamic stability) indicates that this missense variant is expected to disrupt ICK protein function with a positive predictive value of 80%. In summary, the available evidence is currently insufficient to determine the role of this variant in disease. Therefore, it has been classified as a Variant of Uncertain Significance.

Ambry Genetics
Classification: Uncertain significance. Last evaluated: 2025-09-11. Review status: criteria provided, single submitter. Criteria: Ambry Variant Classification Scheme 2023. Collection method: clinical testing. Allele origin: germline.

NM_014920.5(CILK1):c.371G>A (p.Arg124Gln)

Gene: CILK1 (ciliogenesis associated kinase 1; minus strand). Cytogenetic location: 6p12.1.
Variant type: single nucleotide variant.
Coding change: c.371G>A on transcript NM_014920.5 (MANE Select); coding-DNA position 371, G replaced by A.
Protein change: p.Arg124Gln; replaces arginine 124 with glutamine.
Molecular consequence: missense variant. On other transcripts: non-coding transcript variant (1).
Genome position (GRCh38, 1-based): chr6:53,019,347, C>T on the plus strand (G>A on the coding strand, the complement: CILK1 is on the minus strand). VCF-style: chr6-53019347-C-T. GRCh37 (hg19) VCF-style: chr6-52884145-C-T.
Other names: c.371G>A, p.Arg124Gln (NM_001375397.1, NM_001375398.1, NM_001375399.1 and 4 more transcripts); short protein forms R124Q.
Identifiers: ClinVar variation 4228950 (VCV004228950.2).
Genomic context (GRCh38, chr6:53,019,347, plus strand): 5'-AAGTCTGCAATTTTCACAAGTTCTGGTCCCATGCAGAGGAGGTTCTCAGGCTTTAAGTCT[C>T]GATGAAAGAAGCCTATAGAGACAGTAGAGGAGAAGAAATCCAAATGCAAGTTTGCTTCGT-3'
Protein context (NP_055735.1, residues 114-134): AFIHKHGFFH[Arg124Gln]DLKPENLLCM